The following is an entry in ClinVar:

NM_001267550.2(TTN):c.99518G>A (p.Cys33173Tyr)

Genes: TTN-AS1 (TTN antisense RNA 1; plus strand), TTN (titin; minus strand). Cytogenetic location: 2q31.2.
Variant type: single nucleotide variant.
Coding change: c.99518G>A on transcript NM_001267550.2 (MANE Select); coding-DNA position 99518, G replaced by A.
Protein change: p.Cys33173Tyr; replaces cysteine 33173 with tyrosine.
Molecular consequence: missense variant. On other transcripts: non-coding transcript variant (1).
Genome position (GRCh38, 1-based): chr2:178,537,689, C>T on the plus strand (G>A on the coding strand, the complement: TTN is on the minus strand). VCF-style: chr2-178537689-C-T. GRCh37 (hg19) VCF-style: chr2-179402416-C-T.
Other names: p.C31532Y:TGC>TAC; c.94595G>A, p.Cys31532Tyr (NM_001256850.1); c.72323G>A, p.Cys24108Tyr (NM_003319.4); c.91814G>A, p.Cys30605Tyr (NM_133378.4); c.72698G>A, p.Cys24233Tyr (NM_133432.3); c.72899G>A, p.Cys24300Tyr (NM_133437.4); short protein forms C31532Y, C33173Y, C30605Y, C24108Y, C24233Y, C24300Y.
Identifiers: ClinVar variation 203049 (VCV000203049.60), dbSNP rs761362832, ClinGen allele CA311085.

ClinVar aggregate classification (germline): Conflicting classifications of pathogenicity. Review status: criteria provided, conflicting classifications (1 of 4 stars). 13 submissions from 13 submitters: Uncertain significance (10); VUS-high (1); Likely benign (1). 1 of the submissions does not count toward it. Last evaluated 2026-02-06.

Conditions:
Autosomal recessive titinopathy. Identifiers: MedGen CN315649, MONDO:0100493.
TTN-related disorder. Also called: TTN-related condition; TTN-related disease; TTN-related disorders.
Autosomal recessive limb-girdle muscular dystrophy type 2J (LGMDR10). Also called: Limb-girdle muscular dystrophy, type 2J; MUSCULAR DYSTROPHY, LIMB-GIRDLE, AUTOSOMAL RECESSIVE 10. Identifiers: Orphanet 140922, MedGen C1837342, MONDO:0012127, OMIM 608807.
Dilated cardiomyopathy 1G (CMD1G). Identifiers: Orphanet 154, MedGen C1858763, MONDO:0011400, OMIM 604145.
Brugada syndrome. Also called: Sudden unexplained nocturnal death syndrome; Sudden unexpected nocturnal death syndrome; Sudden Unexplained Death Syndrome; Sudden Unexplained Nocturnal Death Syndrome (SUNDS). Identifiers: Orphanet 130, MedGen C1142166, MONDO:0015263.

Allele frequency attached by ClinVar (database versions not stated): gnomAD 0.00003; gnomAD exomes 0.00003 and 0.00005; TOPMed 0.00004; ExAC 0.00006.
gnomAD v4.1: 44 of 1,613,626 alleles (0.0027%); highest among the groups gnomAD compares: Admixed American, 0.035%; no homozygotes.

Submissions (13):

Myofin, Folkhalsan Research Center
Classification: VUS-high for Autosomal recessive titinopathy. Last evaluated: 2026-02-06. Review status: criteria provided, single submitter. Criteria: ACMG Guidelines, 2015. Collection method: research. Allele origin: germline. Affected: yes.
Comment: The variant is rare in population databases (MAF 0.00002727 in gnomAD; no homozygotes reported) and has a high deleterious computational prediction (AlphaMissense 0.9890). Given limited case-level evidence and lack of robust variant-level functional/replication data , we classify this variant as Uncertain significance (VUS-high) for recessive titinopathy.

PreventionGenetics, part of Exact Sciences
Classification: Uncertain significance for TTN-related condition. Last evaluated: 2025-05-27. Review status: criteria provided, single submitter. Criteria: ACMG Guidelines, 2015. Collection method: clinical testing. Allele origin: germline.
Comment: The TTN c.99518G>A variant is predicted to result in the amino acid substitution p.Cys33173Tyr. To our knowledge, this variant has not been reported in the literature. This variant is reported in 0.032% of alleles in individuals of Latino descent in gnomAD. At this time, the clinical significance of this variant is uncertain due to the absence of conclusive functional and genetic evidence.

Dasa
Classification: Uncertain significance. Last evaluated: 2024-12-20. Review status: criteria provided, single submitter. Criteria: DASA Assertion Criteria. Collection method: clinical testing. Allele origin: germline.
Comment: NM_001267550.2(TTN):c.99518G>A (p.Cys33173Tyr) is a missense variant that results in the substitution of cysteine with tyrosine. This variant is rare in population databases. Computational prediction algorithms are consistent with a deleterious effect. The currently available literature and clinical evidence are not sufficient to establish a definitive association between this variant and the reported condition. Therefore, this variant is classified as a variant of uncertain significance.

Revvity Omics, Revvity
Classification: Uncertain significance. Last evaluated: 2024-02-05. Review status: criteria provided, single submitter. Criteria: ACMG Guidelines, 2015. Collection method: clinical testing. Allele origin: germline.

CeGaT Center for Human Genetics Tuebingen
Classification: Uncertain significance. Last evaluated: 2023-12-01. Review status: criteria provided, single submitter. Criteria: CeGaT Center For Human Genetics Tuebingen Variant Classification Criteria Version 2. Collection method: clinical testing. Allele origin: germline. Affected: yes. Observed: 2 variant alleles.
Comment: TTN: PP3

Blueprint Genetics
Classification: Likely benign. Last evaluated: 2021-07-05. Review status: criteria provided, single submitter. Criteria: ACMG Guidelines, 2015. Collection method: clinical testing. Allele origin: germline.

Athena Diagnostics
Classification: Uncertain significance. Last evaluated: 2020-06-24. Review status: criteria provided, single submitter. Criteria: Athena Diagnostics Criteria. Collection method: clinical testing. Allele origin: unknown.

Genetic Services Laboratory, University of Chicago
Classification: Uncertain significance. Last evaluated: 2020-05-06. Review status: criteria provided, single submitter. Criteria: ACMG Guidelines, 2015. Collection method: clinical testing. Allele origin: germline. Affected: no.
Comment: The c.91814G>A sequence change results in an amino acid change, p.Cys30605Tyr. This sequence change has been described in the gnomAD database with a low population frequency of 0.005223% (dbSNP rs761362832). The p.Cys30605Tyr change affects a highly conserved amino acid residue located in a domain of the TTN protein that is known to be functional. In-silico pathogenicity prediction tools (SIFT, PolyPhen2, Align GVGD, REVEL) provide contradictory results for the p.Cys30605Tyr substitution. This sequence change does not appear to have been previously described in patients with TTN-related disorders. Due to the lack of sufficient evidence, the clinical significance of the p.Cys30605Tyr change remains unknown at this time.

Women's Health and Genetics/Laboratory Corporation of America, LabCorp
Classification: Uncertain significance. Last evaluated: 2020-03-02. Review status: criteria provided, single submitter. Criteria: LabCorp Variant Classification Summary - May 2015. Collection method: clinical testing. Allele origin: germline.
Comment: Variant summary: TTN c.91814G>A (p.Cys30605Tyr) results in a non-conservative amino acid change located in the I-band region of the encoded protein sequence. Five of five in-silico tools predict a damaging effect of the variant on protein function. The variant allele was found at a frequency of 5.2e-05 in 248920 control chromosomes, predominantly at a frequency of 0.00032 within the Latino subpopulation in the gnomAD database (exomes dataset). This frequency is somewhat lower than the maximum expected for a pathogenic variant in TTN causing Cardiomyopathy (0.00032 vs 0.00063), allowing no conclusion about variant significance. To our knowledge, no occurrence of c.91814G>A in individuals affected with Cardiomyopathy and no experimental evidence demonstrating its impact on protein function have been reported. Four clinical diagnostic laboratories have submitted clinical-significance assessments for this variant to ClinVar after 2014 without evidence for independent evaluation. All laboratories classified the variant as uncertain significance. Based on the evidence outlined above, the variant was classified as uncertain significance.

Center for Advanced Laboratory Medicine, UC San Diego Health, University of California San Diego
Classification: Uncertain significance for Brugada syndrome. Last evaluated: 2018-12-24. Review status: criteria provided, single submitter. Criteria: ACMG Guidelines, 2015. Collection method: clinical testing. Allele origin: germline. Affected: yes. Observed: 1 variant allele.

Eurofins Ntd Llc (ga)
Classification: Uncertain significance. Last evaluated: 2018-01-12. Review status: criteria provided, single submitter. Criteria: EGL Classification Definitions 2015. Collection method: clinical testing. Allele origin: germline. Observed: 5 variant alleles, 5 heterozygotes.

Labcorp Genetics (formerly Invitae), Labcorp
Classification: Uncertain significance for Dilated cardiomyopathy 1G; Autosomal recessive limb-girdle muscular dystrophy type 2J. Last evaluated: 2017-11-08. Review status: criteria provided, single submitter. Criteria: Invitae Variant Classification Sherloc (09022015). Collection method: clinical testing. Allele origin: germline.

GeneDx
No classification provided. Last evaluated: 2014-06-03. Review status: no classification provided. Criteria: GeneDx Variant Classification (06012015). Collection method: clinical testing. Allele origin: germline. Affected: yes. Not counted in ClinVar's aggregate classification.
Comment: Missense variants in the TTN gene are considered 'unclassified' if they are not previously reported in the literature and do not have >1% frequency in the population to be considered a polymorphism. Research indicates that truncating mutations in the TTN gene are expected to account for approximately 25% of familial and 18% of sporadic idiopathic DCM; however, truncating variants in the TTN gene have been reported in approximately 3% of reported control alleles. There has been little investigation into non-truncating variants. (Herman D et al. Truncations of titin causing dilated cardiomyopathy. N Eng J Med 366:619-628, 2012) The variant is found in DCM-CRDM panel(s).

Literature cited by the submitters: DOI 10.1101/2025.07.17.25331151 (cited by Myofin, Folkhalsan Research Center).